The following is an entry in ClinVar:

NM_000038.6(APC):c.7589G>A (p.Arg2530Gln)

Gene: APC (APC regulator of Wnt signaling pathway; plus strand). Cytogenetic location: 5q22.2.
Variant type: single nucleotide variant.
Coding change: c.7589G>A on transcript NM_000038.6 (MANE Select); coding-DNA position 7589, G replaced by A.
Protein change: p.Arg2530Gln; replaces arginine 2530 with glutamine.
Molecular consequence: missense variant.
Genome position (GRCh38, 1-based): chr5:112,843,183, G>A. VCF-style: chr5-112843183-G-A. GRCh37 (hg19) VCF-style: chr5-112178880-G-A.
Other names: c.7589G>A, p.Arg2530Gln (NM_001127510.3, NM_001354895.2); c.7535G>A, p.Arg2512Gln (NM_001127511.3); c.7643G>A, p.Arg2548Gln (NM_001354896.2); c.7619G>A, p.Arg2540Gln (NM_001354897.2); c.7514G>A, p.Arg2505Gln (NM_001354898.2); c.7505G>A, p.Arg2502Gln (NM_001354899.2); c.7466G>A, p.Arg2489Gln (NM_001354900.2); c.7412G>A, p.Arg2471Gln (NM_001354901.2); and 5 more; short protein forms R2512Q, R2530Q, R2439Q, R2489Q, R2247Q, R2505Q, R2548Q, R2404Q.
Identifiers: ClinVar variation 133534 (VCV000133534.24), dbSNP rs587778043, ClinGen allele CA013904.

ClinVar aggregate classification (germline): Uncertain significance. Review status: criteria provided, multiple submitters, no conflicts (2 of 4 stars). 6 submissions from 6 submitters: Uncertain significance (5). 1 of the submissions does not count toward it. Last evaluated 2025-10-02.

Conditions:
Familial adenomatous polyposis 1 (FAP1). Also called: FAMILIAL ADENOMATOUS POLYPOSIS 1, ATTENUATED; POLYPOSIS, ADENOMATOUS INTESTINAL. Identifiers: MedGen C2713442, MONDO:0021056, OMIM 175100. Disease mechanism: loss of function.
Classic or attenuated familial adenomatous polyposis. Identifiers: MedGen CN372698, MONDO:0021057.
Hereditary cancer-predisposing syndrome. Also called: Tumor predisposition; Hereditary neoplastic syndrome; Neoplastic Syndromes, Hereditary; Hereditary Cancer Syndrome. Identifiers: Orphanet 140162, MedGen C0027672, MeSH D009386, MONDO:0015356.

Allele frequency attached by ClinVar (database versions not stated): gnomAD exomes below 0.00001 and 0.00001; TOPMed below 0.00001; ExAC 0.00001; gnomAD 0.00001.
gnomAD v4.1: 8 of 1,612,888 alleles (0.0005%); highest among the groups gnomAD compares: South Asian, 0.0022%; no homozygotes.

Submissions (6):

Labcorp Genetics (formerly Invitae), Labcorp
Classification: Uncertain significance for Familial adenomatous polyposis 1. Last evaluated: 2025-10-02. Review status: criteria provided, single submitter. Criteria: Invitae Variant Classification Sherloc (09022015). Collection method: clinical testing. Allele origin: germline.
Comment: This sequence change replaces arginine, which is basic and polar, with glutamine, which is neutral and polar, at codon 2530 of the APC protein (p.Arg2530Gln). This variant is present in population databases (rs587778043, gnomAD 0.003%). This missense change has been observed in individual(s) with breast cancer (PMID: 26976419). ClinVar contains an entry for this variant (Variation ID: 133534). Invitae Evidence Modeling of protein sequence and biophysical properties (such as structural, functional, and spatial information, amino acid conservation, physicochemical variation, residue mobility, and thermodynamic stability) indicates that this missense variant is not expected to disrupt APC protein function with a negative predictive value of 95%. In summary, the available evidence is currently insufficient to determine the role of this variant in disease. Therefore, it has been classified as a Variant of Uncertain Significance.

Ambry Genetics
Classification: Uncertain significance for Hereditary cancer-predisposing syndrome. Last evaluated: 2025-09-09. Review status: criteria provided, single submitter. Criteria: Ambry Variant Classification Scheme 2023. Collection method: clinical testing. Allele origin: germline.
Comment: The p.R2530Q variant (also known as c.7589G>A), located in coding exon 15 of the APC gene, results from a G to A substitution at nucleotide position 7589. The arginine at codon 2530 is replaced by glutamine, an amino acid with highly similar properties. This amino acid position is highly conserved in available vertebrate species. In addition, in silico predictors for this gene do not accurately predict pathogenicity. Missense alterations in APC are not a common cause of disease (Spier I et al. Genet Med. 2024 Feb;26(2):100992). Based on the available evidence, the clinical significance of this variant remains unclear.

All of Us Research Program, National Institutes of Health
Classification: Uncertain significance for Classic or attenuated familial adenomatous polyposis. Last evaluated: 2024-09-23. Review status: criteria provided, single submitter. Criteria: ACMG Guidelines, 2015. Collection method: clinical testing. Allele origin: germline. Inheritance: Autosomal dominant inheritance. Observed: 3 variant alleles, 3 heterozygotes.
Comment: This missense variant replaces arginine with glutamine at codon 2530 of the APC protein. Computational prediction tools and conservation analyses are inconclusive regarding the impact of this variant on protein structure and function. Splice site prediction tools suggest that this variant may not impact RNA splicing. To our knowledge, functional studies have not been performed for this variant. This variant has been reported in an individual affected with breast cancer (PMID: 26976419), but also in healthy control individuals (PMID: 24728327, 29192238, 32658311). This variant has also been identified in 1/250692 chromosomes in the general population by the Genome Aggregation Database (gnomAD). The available evidence is insufficient to determine the role of this variant in disease conclusively. Therefore, this variant is classified as a Variant of Uncertain Significance.

This study involves interpretation of variants in research participants for the purpose of population health screening. Participant phenotype was not available at the time of variant classification. Additional details can be found in publication PMID: 35346344, PMCID: PMC8962531

Color Diagnostics, LLC DBA Color Health
Classification: Uncertain significance for Hereditary cancer-predisposing syndrome. Last evaluated: 2023-02-08. Review status: criteria provided, single submitter. Criteria: ACMG Guidelines, 2015. Collection method: clinical testing. Allele origin: germline.
Comment: This missense variant replaces arginine with glutamine at codon 2530 of the APC protein. Computational prediction tools and conservation analyses are inconclusive regarding the impact of this variant on protein structure and function. Splice site prediction tools suggest that this variant may not impact RNA splicing. To our knowledge, functional studies have not been performed for this variant. This variant has been reported in an individual affected with breast cancer (PMID: 26976419), but also in healthy control individuals (PMID: 24728327, 29192238, 32658311). This variant has also been identified in 1/250692 chromosomes in the general population by the Genome Aggregation Database (gnomAD). The available evidence is insufficient to determine the role of this variant in disease conclusively. Therefore, this variant is classified as a Variant of Uncertain Significance.

Quest Diagnostics Nichols Institute San Juan Capistrano
Classification: Uncertain significance. Last evaluated: 2017-03-15. Review status: criteria provided, single submitter. Criteria: Quest Diagnostics criteria. Collection method: clinical testing. Allele origin: germline.

ITMI
No classification provided. Condition: AllHighlyPenetrant. Last evaluated: 2013-09-19. Review status: no classification provided. Collection method: reference population. Allele origin: germline. Not counted in ClinVar's aggregate classification.
Comment: Please see associated publication for description of ethnicities

Literature cited by the submitters: PubMed 26976419 (cited by 5 submitters); PubMed 24728327 (cited by 4 submitters); PubMed 29192238 (cited by 3 submitters); PubMed 32658311 (cited by 3 submitters).